The following is an entry in ClinVar:

ClinVar aggregate classification (germline): Benign. Review status: criteria provided, multiple submitters, no conflicts (2 of 4 stars). 6 submissions from 6 submitters: Benign (6). Last evaluated 2026-02-04.

Conditions:
Autosomal recessive nonsyndromic hearing loss 76. Also called: Deafness, autosomal recessive 76. Identifiers: Orphanet 90636, MedGen C3147083, MONDO:0014237, OMIM 615540.

Allele frequency attached by ClinVar (database versions not stated): gnomAD exomes 0.19106 and 0.22829; ExAC 0.22890; ESP Exome Variant Server 0.28228; gnomAD 0.29645 and 0.30451; TOPMed 0.31834; 1000 Genomes Project 0.32268; 1000 Genomes Project 30x 0.33916.
gnomAD v4.1: 323,165 of 1,605,578 alleles (20%); highest among the groups gnomAD compares: African/African-American, 56%; 39,697 homozygotes.

Submissions (6):

Labcorp Genetics (formerly Invitae), Labcorp
Classification: Benign. Last evaluated: 2026-02-04. Review status: criteria provided, single submitter. Criteria: Invitae Variant Classification Sherloc (09022015). Collection method: clinical testing. Allele origin: germline.

Genome-Nilou Lab
Classification: Benign for Autosomal recessive nonsyndromic hearing loss 76. Last evaluated: 2021-07-15. Review status: criteria provided, single submitter. Criteria: ACMG Guidelines, 2015. Collection method: clinical testing. Allele origin: germline. Affected: no.

Mayo Clinic Laboratories, Mayo Clinic
Classification: Benign. Last evaluated: 2020-10-02. Review status: criteria provided, single submitter. Criteria: ACMG Guidelines, 2015. Collection method: clinical testing. Allele origin: germline. Observed: 54 variant alleles.

GeneDx
Classification: Benign. Last evaluated: 2017-05-09. Review status: criteria provided, single submitter. Criteria: GeneDx Variant Classification (06012015). Collection method: clinical testing. Allele origin: germline. Affected: yes.
Comment: This variant is considered likely benign or benign based on one or more of the following criteria: it is a conservative change, it occurs at a poorly conserved position in the protein, it is predicted to be benign by multiple in silico algorithms, and/or has population frequency not consistent with disease.

Laboratory for Molecular Medicine, Mass General Brigham Personalized Medicine
Classification: Benign. Last evaluated: 2014-11-24. Review status: criteria provided, single submitter. Criteria: LMM Criteria. Collection method: clinical testing. Allele origin: germline. Observed: 388 variant alleles.
Comment: Pro75Pro in exon 2 of SYNE4: This variant is not expected to have clinical signi ficance because it does not alter an amino acid residue and is not located withi n the splice consensus sequence. It has been identified in 47.5% (1845/3886) of African American chromosomes from a broad population by the NHLBI Exome Sequenci ng Project (dbSNP rs2285424).

Breakthrough Genomics
Classification: Benign. Review status: criteria provided, single submitter. Criteria: ACMG Guidelines, 2015. Collection method: not provided. Allele origin: germline. Inheritance: Autosomal recessive inheritance. Affected: yes.

NM_001039876.3(SYNE4):c.225G>A (p.Pro75=)

Gene: SYNE4 (spectrin repeat containing nuclear envelope family member 4; minus strand). Cytogenetic location: 19q13.12.
Variant type: single nucleotide variant.
Coding change: c.225G>A on transcript NM_001039876.3 (MANE Select); coding-DNA position 225, G replaced by A.
Protein change: p.Pro75=; no amino-acid change (proline 75 retained).
Molecular consequence: synonymous variant.
Genome position (GRCh38, 1-based): chr19:36,008,271, C>T on the plus strand (G>A on the coding strand, the complement: SYNE4 is on the minus strand). VCF-style: chr19-36008271-C-T. GRCh37 (hg19) VCF-style: chr19-36499173-C-T.
Other names: p.Pro75=; c.225G>A, p.Pro75= (NM_001297735.3).
Identifiers: ClinVar variation 227084 (VCV000227084.17), dbSNP rs2285424, ClinGen allele CA9393992.